The following is an entry in ClinVar:

NM_001184.4(ATR):c.1646G>A (p.Ser549Asn)

Gene: ATR (ATR checkpoint kinase; minus strand). Cytogenetic location: 3q23.
Variant type: single nucleotide variant.
Coding change: c.1646G>A on transcript NM_001184.4 (MANE Select); coding-DNA position 1646, G replaced by A.
Protein change: p.Ser549Asn; replaces serine 549 with asparagine.
Molecular consequence: missense variant.
Genome position (GRCh38, 1-based): chr3:142,559,337, C>T on the plus strand (G>A on the coding strand, the complement: ATR is on the minus strand). VCF-style: chr3-142559337-C-T. GRCh37 (hg19) VCF-style: chr3-142278179-C-T.
Other names: c.1454G>A, p.Ser485Asn (NM_001354579.2); short protein forms S485N, S549N.
Identifiers: ClinVar variation 2155064 (VCV002155064.4), dbSNP rs1461133998, ClinGen allele CA354822131.
Genomic context (GRCh38, chr3:142,559,337, plus strand): 5'-ATTTTCACCACCTTATCAATGGTTGCCTCCAGGTCCAGTTTCTGAACAGATTCTAACAAA[C>T]TTCTACAGCTCTTAAGCACTTTTGTGTAAAAATCCAATGACATCCAAGTTATCACTACAG-3'
Protein context (NP_001175.2, residues 539-559): FYTKVLKSCR[Ser549Asn]LLESVQKLDL

ClinVar aggregate classification (germline): Uncertain significance (1 of 4 stars; one submission).

Allele frequency attached by ClinVar (database versions not stated): gnomAD exomes below 0.00001.
gnomAD v4.1: 5 of 1,613,984 alleles (0.00031%); highest among the groups gnomAD compares: African/African-American, 0.004%; no homozygotes.

Submission:

Labcorp Genetics (formerly Invitae), Labcorp
Classification: Uncertain significance. Last evaluated: 2022-10-08. Review status: criteria provided, single submitter. Criteria: Invitae Variant Classification Sherloc (09022015). Collection method: clinical testing. Allele origin: germline.
Comment: In summary, the available evidence is currently insufficient to determine the role of this variant in disease. Therefore, it has been classified as a Variant of Uncertain Significance. Algorithms developed to predict the effect of missense changes on protein structure and function output the following: SIFT: "Tolerated"; PolyPhen-2: "Benign"; Align-GVGD: "Class C0". The asparagine amino acid residue is found in multiple mammalian species, which suggests that this missense change does not adversely affect protein function. This variant has not been reported in the literature in individuals affected with ATR-related conditions. This variant is present in population databases (no rsID available, gnomAD 0.003%). This sequence change replaces serine, which is neutral and polar, with asparagine, which is neutral and polar, at codon 549 of the ATR protein (p.Ser549Asn).